The following is an entry in ClinVar:

ClinVar aggregate classification (germline): Likely pathogenic. Review status: criteria provided, multiple submitters, no conflicts (2 of 4 stars). 2 submissions from 2 submitters: Likely pathogenic (2). Last evaluated 2023-06-12.

Conditions:
Congenital muscular dystrophy due to LMNA mutation. Also called: Congenital muscular dystrophy, LMNA-related; Lamin A-related Congenital Muscular Dystrophy. Identifiers: Orphanet 157973, MedGen C2750785, MONDO:0013178, OMIM 613205.
Charcot-Marie-Tooth disease type 2. Also called: Charcot-Marie-Tooth type 2. Identifiers: Orphanet 64746, MedGen C0270914, MONDO:0018993.

Submissions (2):

3billion
Classification: Likely pathogenic for Congenital muscular dystrophy due to LMNA mutation. Last evaluated: 2023-06-12. Review status: criteria provided, single submitter. Criteria: ACMG Guidelines, 2015. Collection method: clinical testing. Allele origin: germline. Affected: yes.
Comment: The variant is not observed in the gnomAD v2.1.1 dataset. Predicted Consequence/Location: Missense variant In silico tool predictions suggest damaging effect of the variant on gene or gene product (REVEL: 0.94; 3Cnet: 1.00). Same nucleotide change resulting in same amino acid change has been previously reported to be associated with LMNA related disorder (ClinVar ID: VCV002202857 /PMID: 21632249). Different missense changes at the same codon (p.Asn39His, p.Asn39Ile, p.Asn39Lys, p.Asn39Ser, p.Asn39Tyr) have been reported as pathogenic/likely pathogenic with strong evidence (ClinVar ID: VCV000066791, VCV000649203, VCV000935833, VCV002098082 /PMID: 18551513, 20837309, 26098624, 30083363, 34240052). Therefore, this variant is classified as Likely pathogenic according to the recommendation of ACMG/AMP guideline.

Labcorp Genetics (formerly Invitae), Labcorp
Classification: Likely pathogenic for Charcot-Marie-Tooth disease type 2. Last evaluated: 2022-09-14. Review status: criteria provided, single submitter. Criteria: Invitae Variant Classification Sherloc (09022015). Collection method: clinical testing. Allele origin: germline.
Comment: This sequence change replaces asparagine, which is neutral and polar, with aspartic acid, which is acidic and polar, at codon 39 of the LMNA protein (p.Asn39Asp). This variant is not present in population databases (gnomAD no frequency). This missense change has been observed in individual(s) with LMNA-related conditions (PMID: 21632249, 34240052). Advanced modeling of protein sequence and biophysical properties (such as structural, functional, and spatial information, amino acid conservation, physicochemical variation, residue mobility, and thermodynamic stability) performed at Invitae indicates that this missense variant is expected to disrupt LMNA protein function. This variant disrupts the p.Asn39 amino acid residue in LMNA. Other variant(s) that disrupt this residue have been determined to be pathogenic (PMID: 17377071, 18551513, 21520333, 24508248). This suggests that this residue is clinically significant, and that variants that disrupt this residue are likely to be disease-causing. In summary, the currently available evidence indicates that the variant is pathogenic, but additional data are needed to prove that conclusively. Therefore, this variant has been classified as Likely Pathogenic.

Literature cited by the submitters: PubMed 18551513 (cited by 3billion and Labcorp Genetics (formerly Invitae), Labcorp); PubMed 21632249 (cited by 3billion and Labcorp Genetics (formerly Invitae), Labcorp); PubMed 34240052 (cited by Labcorp Genetics (formerly Invitae), Labcorp); PubMed 17377071 (cited by Labcorp Genetics (formerly Invitae), Labcorp); PubMed 21520333 (cited by Labcorp Genetics (formerly Invitae), Labcorp); PubMed 24508248 (cited by Labcorp Genetics (formerly Invitae), Labcorp).

NM_170707.4(LMNA):c.115A>G (p.Asn39Asp)

Gene: LMNA (lamin A/C; plus strand). Cytogenetic location: 1q22.
Variant type: single nucleotide variant.
Coding change: c.115A>G on transcript NM_170707.4 (MANE Select); coding-DNA position 115, A replaced by G.
Protein change: p.Asn39Asp; replaces asparagine 39 with aspartic acid.
Molecular consequence: missense variant.
Genome position (GRCh38, 1-based): chr1:156,115,033, A>G. VCF-style: chr1-156115033-A-G. GRCh37 (hg19) VCF-style: chr1-156084824-A-G.
Other names: c.115A>G, p.Asn39Asp (NM_001282625.2, NM_001282626.2, NM_001406983.1 and 6 more transcripts); c.-309A>G (NM_001406986.1); c.-287A>G (NM_001406990.1, NM_001406995.1, NM_001407002.1); c.-550A>G (NM_001406994.1, NM_001407000.1); c.-730A>G (NM_001406999.1); c.-393A>G (NM_001407001.1); short protein forms N39D.
Identifiers: ClinVar variation 2202857 (VCV002202857.5), dbSNP rs267607627, ClinGen allele CA342807663.